The following is an entry in ClinVar:

NM_001379291.1(BRD4):c.2158+2706_2158+2713del

Gene: BRD4 (bromodomain containing 4; minus strand). Cytogenetic location: 19p13.12.
Variant type: Deletion.
Coding change: c.2158+2706_2158+2713del on transcript NM_001379291.1 (MANE Select); bases 2706 to 2713 of the intron after coding-DNA position 2158, 8 bases deleted (CCCCCCCC; older notation c.2158+2706_2158+2713delCCCCCCCC).
Molecular consequence: intron variant.
Genome position (GRCh38, 1-based): chr19:15,251,439-15,251,446, GGGGGGGG deleted on the plus strand (CCCCCCCC on the coding strand, the reverse complement: BRD4 is on the minus strand); deleting any 8 consecutive bases within chr19:15,251,439-15,251,455 gives the same sequence; the c. name uses the placement nearest the transcript's 3' end. VCF-style (leftmost placement, unchanged base first): chr19-15251438-CGGGGGGGG-C. GRCh37 (hg19) VCF-style: chr19-15362249-CGGGGGGGG-C.
Other names: c.2158+2706_2158+2713del (NM_058243.3); c.2159-2156_2159-2149del (NM_001379292.1, NM_014299.3).
Identifiers: ClinVar variation 2649472 (VCV002649472.24), dbSNP rs1197390019, ClinGen allele CA783625204.

ClinVar aggregate classification (germline): Benign (1 of 4 stars; one submission).

Submission:

CeGaT Center for Human Genetics Tuebingen
Classification: Benign. Last evaluated: 2023-10-01. Review status: criteria provided, single submitter. Criteria: CeGaT Center For Human Genetics Tuebingen Variant Classification Criteria Version 2. Collection method: clinical testing. Allele origin: germline. Affected: yes. Observed: 1 variant allele.
Comment: BRD4: BS1, BS2